The following is an entry in ClinVar:

NM_152618.3(BBS12):c.176G>T (p.Ser59Ile)

Gene: BBS12 (Bardet-Biedl syndrome 12; plus strand). Cytogenetic location: 4q27.
Variant type: single nucleotide variant.
Coding change: c.176G>T on transcript NM_152618.3 (MANE Select); coding-DNA position 176, G replaced by T.
Protein change: p.Ser59Ile; replaces serine 59 with isoleucine.
Molecular consequence: missense variant.
Genome position (GRCh38, 1-based): chr4:122,742,068, G>T. VCF-style: chr4-122742068-G-T. GRCh37 (hg19) VCF-style: chr4-123663223-G-T.
Other names: c.176G>T, p.Ser59Ile (NM_001178007.2); short protein forms S59I.
Identifiers: ClinVar variation 4990978 (VCV004990978.1).

ClinVar aggregate classification (germline): Uncertain significance (1 of 4 stars; one submission).

Conditions:
BBS12-related disorder. Also called: BBS12-related condition.

gnomAD v4.1: 1 of 1,614,164 alleles (0.000062%); highest among the groups gnomAD compares: Non-Finnish European, 0.000085%; no homozygotes.

Submission:

PreventionGenetics, part of Exact Sciences
Classification: Uncertain significance for BBS12-related condition. Last evaluated: 2025-09-25. Review status: criteria provided, single submitter. Criteria: ACMG Guidelines, 2015. Collection method: clinical testing. Allele origin: germline.
Comment: The BBS12 c.176G>T variant is predicted to result in the amino acid substitution p.Ser59Ile. To our knowledge, this variant has not been reported in the literature or in a large population database (gnomAD), indicating this variant is rare. At this time, the clinical significance of this variant is uncertain due to the absence of conclusive functional and genetic evidence.